The following is an entry in ClinVar:

ClinVar aggregate classification (germline): Uncertain significance (1 of 4 stars; one submission).

Conditions:
Combined immunodeficiency with skin granulomas. Identifiers: Orphanet 157949, MedGen C2673536, MONDO:0009306, OMIM 233650.
Severe combined immunodeficiency, autosomal recessive, T cell-negative, B cell-negative, NK cell-positive. Also called: SCID, AR, T-cell negative, B-cell negative, NK cell-positive; SCID, T CELL-NEGATIVE, B CELL-NEGATIVE, NK CELL-POSITIVE; Severe combined immunodeficiency due to complete RAG1/2 deficiency. Identifiers: Orphanet 331206, MedGen C1832322, MONDO:0011086, OMIM 601457.

Allele frequency attached by ClinVar (database versions not stated): gnomAD exomes below 0.00001; ExAC 0.00001.
gnomAD v4.1: 1 of 1,614,184 alleles (0.000062%); highest among the groups gnomAD compares: Non-Finnish European, 0.000085%; no homozygotes.

Submission:

Labcorp Genetics (formerly Invitae), Labcorp
Classification: Uncertain significance for Combined immunodeficiency with skin granulomas; Severe combined immunodeficiency, autosomal recessive, T cell-negative, B cell-negative, NK cell-positive. Last evaluated: 2022-01-16. Review status: criteria provided, single submitter. Criteria: Invitae Variant Classification Sherloc (09022015). Collection method: clinical testing. Allele origin: germline.
Comment: This sequence change replaces serine, which is neutral and polar, with phenylalanine, which is neutral and non-polar, at codon 290 of the RAG1 protein (p.Ser290Phe). This variant is present in population databases (rs765603879, gnomAD 0.0009%). This variant has not been reported in the literature in individuals affected with RAG1-related conditions. Algorithms developed to predict the effect of missense changes on protein structure and function are either unavailable or do not agree on the potential impact of this missense change (SIFT: "Deleterious"; PolyPhen-2: "Possibly Damaging"; Align-GVGD: "Class C0"). In summary, the available evidence is currently insufficient to determine the role of this variant in disease. Therefore, it has been classified as a Variant of Uncertain Significance.

NM_000448.3(RAG1):c.869C>T (p.Ser290Phe)

Gene: RAG1 (recombination activating 1; plus strand). Cytogenetic location: 11p12.
Variant type: single nucleotide variant.
Coding change: c.869C>T on transcript NM_000448.3 (MANE Select); coding-DNA position 869, C replaced by T.
Protein change: p.Ser290Phe; replaces serine 290 with phenylalanine.
Molecular consequence: missense variant.
Genome position (GRCh38, 1-based): chr11:36,574,173, C>T. VCF-style: chr11-36574173-C-T. GRCh37 (hg19) VCF-style: chr11-36595723-C-T.
Other names: c.869C>T, p.Ser290Phe (NM_001377277.1, NM_001377278.1, NM_001377279.1 and 1 more transcripts); short protein forms S290F.
Identifiers: ClinVar variation 2084910 (VCV002084910.1), dbSNP rs765603879, ClinGen allele CA5950069.